The following is an entry in ClinVar:

ClinVar aggregate classification (germline): Uncertain significance. Review status: criteria provided, multiple submitters, no conflicts (2 of 4 stars). 2 submissions from 2 submitters: Uncertain significance (2). Last evaluated 2023-09-23.

Conditions:
Inborn genetic diseases. Identifiers: MedGen C0950123, MeSH D030342.

Allele frequency attached by ClinVar (database versions not stated): gnomAD exomes 0.00003; ExAC 0.00006; TOPMed 0.00004; gnomAD 0.00002.
gnomAD v4.1: 44 of 1,607,086 alleles (0.0027%); highest among the groups gnomAD compares: South Asian, 0.0033%; 1 homozygote.

Submissions (2):

Ambry Genetics
Classification: Uncertain significance for Inborn genetic diseases. Last evaluated: 2023-09-23. Review status: criteria provided, single submitter. Criteria: Ambry Variant Classification Scheme 2023. Collection method: clinical testing. Allele origin: germline.

Labcorp Genetics (formerly Invitae), Labcorp
Classification: Uncertain significance. Last evaluated: 2023-09-20. Review status: criteria provided, single submitter. Criteria: Invitae Variant Classification Sherloc (09022015). Collection method: clinical testing. Allele origin: germline.
Comment: In summary, the available evidence is currently insufficient to determine the role of this variant in disease. Therefore, it has been classified as a Variant of Uncertain Significance. An algorithm developed to predict the effect of missense changes on protein structure and function (PolyPhen-2) suggests that this variant¬¨‚Ä†is likely to be tolerated. This variant has not been reported in the literature in individuals affected with SLC26A1-related conditions. This variant is present in population databases (rs776291082, gnomAD 0.01%). This sequence change replaces proline, which is neutral and non-polar, with leucine, which is neutral and non-polar, at codon 595 of the SLC26A1 protein (p.Pro595Leu).

NM_022042.4(SLC26A1):c.1784C>T (p.Pro595Leu)

Genes: SLC26A1 (solute carrier family 26 member 1; minus strand), IDUA (alpha-L-iduronidase; plus strand). Cytogenetic location: 4p16.3.
Variant type: single nucleotide variant.
Coding change: c.1784C>T on transcript NM_022042.4 (MANE Select); coding-DNA position 1784, C replaced by T.
Protein change: p.Pro595Leu; replaces proline 595 with leucine.
Molecular consequence: missense variant. On other transcripts: intron variant (2).
Genome position (GRCh38, 1-based): chr4:989,155, G>A on the plus strand (C>T on the coding strand, the complement: SLC26A1 is on the minus strand). VCF-style: chr4-989155-G-A. GRCh37 (hg19) VCF-style: chr4-982943-G-A.
Other names: c.1784C>T, p.Pro595Leu (NM_213613.4); c.576+1973C>T (NM_134425.4); c.299+1206G>A (NM_000203.5); short protein forms P595L.
Identifiers: ClinVar variation 2963266 (VCV002963266.3), dbSNP rs776291082, ClinGen allele CA2801275.